The following is an entry in ClinVar:

NM_004970.3(IGFALS):c.766G>A (p.Ala256Thr)

Gene: IGFALS (insulin like growth factor binding protein acid labile subunit; minus strand). Cytogenetic location: 16p13.3.
Variant type: single nucleotide variant.
Coding change: c.766G>A on transcript NM_004970.3 (MANE Select); coding-DNA position 766, G replaced by A.
Protein change: p.Ala256Thr; replaces alanine 256 with threonine.
Molecular consequence: missense variant. On other transcripts: non-coding transcript variant (1).
Genome position (GRCh38, 1-based): chr16:1,791,652, C>T on the plus strand (G>A on the coding strand, the complement: IGFALS is on the minus strand). VCF-style: chr16-1791652-C-T. GRCh37 (hg19) VCF-style: chr16-1841653-C-T.
Other names: c.880G>A, p.Ala294Thr (NM_001146006.2); short protein forms A256T, A294T.
Identifiers: ClinVar variation 3768999 (VCV003768999.1).

ClinVar aggregate classification (germline): Uncertain significance (1 of 4 stars; one submission).

gnomAD v4.1: 2 of 1,582,240 alleles (0.00013%); highest among the groups gnomAD compares: Non-Finnish European, 0.00017%; no homozygotes.

Submission:

Women's Health and Genetics/Laboratory Corporation of America, LabCorp
Classification: Uncertain significance. Last evaluated: 2025-02-18. Review status: criteria provided, single submitter. Criteria: LabCorp Variant Classification Summary - May 2015. Collection method: clinical testing. Allele origin: germline.
Comment: Variant summary: IGFALS c.766G>A (p.Ala256Thr) results in a non-conservative amino acid change located in the Leucine-rich repeats, typical (most populated) subfamily (IPR003591) of the encoded protein sequence. Four of five in-silico tools predict a benign effect of the variant on protein function. The variant allele was found at a frequency of 1.3e-06 in 1582240 control chromosomes (gnomAD database v4). The available data on variant occurrences in the general population are insufficient to allow any conclusion about variant significance. To our knowledge, no occurrence of c.766G>A in individuals affected with Short Stature Due To Primary Acid-Labile Subunit Deficiency and no experimental evidence demonstrating its impact on protein function have been reported. No submitters have cited clinical-significance assessments for this variant to ClinVar. Based on the evidence outlined above, the variant was classified as uncertain significance.